The following is an entry in ClinVar:

ClinVar aggregate classification (germline): Likely pathogenic (1 of 4 stars; one submission).

Submission:

GeneDx
Classification: Likely pathogenic. Last evaluated: 2019-04-24. Review status: criteria provided, single submitter. Criteria: GeneDx Variant Classification Process June 2021. Collection method: clinical testing. Allele origin: germline. Affected: yes.
Comment: Has not been previously published as pathogenic or benign to our knowledge; Canonical splice site variant predicted to result in an in-frame deletion of a critical triple-helical region; Deletions involving coding exons in this gene are frequently reported as pathogenic, regardless of frame prediction (Stenson et al., 2014); Not observed in large population cohorts (Lek et al., 2016)

NM_001854.4(COL11A1):c.3708+2T>C

Gene: COL11A1 (collagen type XI alpha 1 chain; minus strand). Cytogenetic location: 1p21.1.
Variant type: single nucleotide variant.
Coding change: c.3708+2T>C on transcript NM_001854.4 (MANE Select); the canonical splice donor site of the intron after coding-DNA position 3708, T replaced by C.
Molecular consequence: splice donor variant.
Genome position (GRCh38, 1-based): chr1:102,921,516, A>G on the plus strand (T>C on the coding strand, the complement: COL11A1 is on the minus strand). VCF-style: chr1-102921516-A-G. GRCh37 (hg19) VCF-style: chr1-103387072-A-G.
Other names: c.3591+2T>C (NM_001190709.2); c.3744+2T>C (NM_080629.3); c.3360+2T>C (NM_080630.4).
Identifiers: ClinVar variation 1207208 (VCV001207208.3), dbSNP rs2101074452, ClinGen allele CA341164158.